The following is an entry in ClinVar:

ClinVar aggregate classification (germline): Uncertain significance. Review status: criteria provided, single submitter (1 of 4 stars). 2 submissions from 2 submitters: Uncertain significance (1). 1 of the submissions does not count toward it. Last evaluated 2017-06-20.

Conditions:
Glycine encephalopathy. Also called: Nonketotic hyperglycinemia; Non-ketotic hyperglycinemia. Identifiers: Orphanet 407, MedGen C0751748, MONDO:0011612, HP:0008288.

Allele frequency attached by ClinVar (database versions not stated): TOPMed below 0.00001; gnomAD 0.00001.
gnomAD v4.1: 5 of 1,613,718 alleles (0.00031%); highest among the groups gnomAD compares: Non-Finnish European, 0.00042%; no homozygotes.

Submissions (2):

Labcorp Genetics (formerly Invitae), Labcorp
Classification: Uncertain significance for Glycine encephalopathy. Last evaluated: 2017-06-20. Review status: criteria provided, single submitter. Criteria: Invitae Variant Classification Sherloc (09022015). Collection method: clinical testing. Allele origin: germline.
Comment: In summary, this variant has uncertain impact on GLDC function. The available evidence is currently insufficient to determine its role in disease. Therefore, it has been classified as a Variant of Uncertain Significance. Algorithms developed to predict the effect of missense changes on protein structure and function do not agree on the potential impact of this missense change (SIFT: "Deleterious"; PolyPhen-2: "Probably Damaging"; Align-GVGD: "Class C0"). This variant has not been reported in the literature in individuals with a GLDC-related disease. This variant is not present in population databases (ExAC no frequency). This sequence change replaces leucine with valine at codon 197 of the GLDC protein (p.Leu197Val). The leucine residue is highly conserved and there is a small physicochemical difference between leucine and valine.

Natera, Inc.
Classification: Uncertain significance for Non-ketotic hyperglycinemia. Last evaluated: 2020-03-17. Review status: no assertion criteria provided. Collection method: clinical testing. Allele origin: germline. Not counted in ClinVar's aggregate classification.

NM_000170.3(GLDC):c.589C>G (p.Leu197Val)

Gene: GLDC (glycine decarboxylase; minus strand). Cytogenetic location: 9p24.1.
Variant type: single nucleotide variant.
Coding change: c.589C>G on transcript NM_000170.3 (MANE Select); coding-DNA position 589, C replaced by G.
Protein change: p.Leu197Val; replaces leucine 197 with valine.
Molecular consequence: missense variant.
Genome position (GRCh38, 1-based): chr9:6,610,238, G>C on the plus strand (C>G on the coding strand, the complement: GLDC is on the minus strand). VCF-style: chr9-6610238-G-C. GRCh37 (hg19) VCF-style: chr9-6610238-G-C.
Other names: short protein forms L197V.
Identifiers: ClinVar variation 462887 (VCV000462887.8), dbSNP rs1461615694, ClinGen allele CA372898271.